The following is an entry in ClinVar:

NM_000273.3(GPR143):c.25T>C (p.Phe9Leu)

Gene: GPR143 (G protein-coupled receptor 143; minus strand). Cytogenetic location: Xp22.2.
Variant type: single nucleotide variant.
Coding change: c.25T>C on transcript NM_000273.3 (MANE Select); coding-DNA position 25, T replaced by C.
Protein change: p.Phe9Leu; replaces phenylalanine 9 with leucine.
Molecular consequence: missense variant.
Genome position (GRCh38, 1-based): chrX:9,765,793, A>G on the plus strand (T>C on the coding strand, the complement: GPR143 is on the minus strand). VCF-style: chrX-9765793-A-G. GRCh37 (hg19) VCF-style: chrX-9733833-A-G.
Other names: short protein forms F9L.
Identifiers: ClinVar variation 1512523 (VCV001512523.8), dbSNP rs2083529836, ClinGen allele CA412001019.

ClinVar aggregate classification (germline): Uncertain significance (1 of 4 stars; one submission).

Allele frequency attached by ClinVar (database versions not stated): TOPMed below 0.00001; gnomAD 0.00001.

Submission:

Labcorp Genetics (formerly Invitae), Labcorp
Classification: Uncertain significance. Last evaluated: 2022-11-01. Review status: criteria provided, single submitter. Criteria: Invitae Variant Classification Sherloc (09022015). Collection method: clinical testing. Allele origin: germline.
Comment: This sequence change replaces phenylalanine, which is neutral and non-polar, with leucine, which is neutral and non-polar, at codon 9 of the GPR143 protein (p.Phe9Leu). This variant is not present in population databases (gnomAD no frequency). This variant has not been reported in the literature in individuals affected with GPR143-related conditions. ClinVar contains an entry for this variant (Variation ID: 1512523). Advanced modeling of protein sequence and biophysical properties (such as structural, functional, and spatial information, amino acid conservation, physicochemical variation, residue mobility, and thermodynamic stability) has been performed at Invitae for this missense variant, however the output from this modeling did not meet the statistical confidence thresholds required to predict the impact of this variant on GPR143 protein function. In summary, the available evidence is currently insufficient to determine the role of this variant in disease. Therefore, it has been classified as a Variant of Uncertain Significance.